The following is an entry in ClinVar:

NM_014444.5(TUBGCP4):c.1735T>A (p.Phe579Ile)

Genes: TP53BP1 (tumor protein p53 binding protein 1; minus strand), TUBGCP4 (tubulin gamma complex component 4; plus strand). Cytogenetic location: 15q15.3.
Variant type: single nucleotide variant.
Coding change: c.1735T>A on transcript NM_014444.5 (MANE Select); coding-DNA position 1735, T replaced by A.
Protein change: p.Phe579Ile; replaces phenylalanine 579 with isoleucine.
Molecular consequence: missense variant. On other transcripts: 3 prime UTR variant (5).
Genome position (GRCh38, 1-based): chr15:43,403,686, T>A. VCF-style: chr15-43403686-T-A. GRCh37 (hg19) VCF-style: chr15-43695884-T-A.
Other names: c.1738T>A, p.Phe580Ile (NM_001286414.3); c.*3697A>T (NM_001141979.3, NM_001141980.3, NM_001355001.2 and 2 more transcripts); short protein forms F579I, F580I.
Identifiers: ClinVar variation 4685164 (VCV004685164.2).
Genomic context (GRCh38, chr15:43,403,686, plus strand): 5'-TAACTTCATGGATGTACCTTCCTTCCTTTCCTAATGCCAACTCTGTTTCCCGGGTAGGTG[T>A]TTCACTGCCTGAATGAAATCCTAGATCTCTGTCACAGTTTTTGTTCGCTGGTCAGTCAGA-3'
Protein context (NP_055259.2, residues 569-589): AQSFILLKPV[Phe579Ile]HCLNEILDLC

ClinVar aggregate classification (germline): Uncertain significance (1 of 4 stars; one submission).

Submission:

GeneDx
Classification: Uncertain significance. Last evaluated: 2026-10-22. Review status: criteria provided, single submitter. Criteria: GeneDx Variant Classification Process June 2021. Collection method: clinical testing. Allele origin: germline.
Comment: Not observed at significant frequency in large population cohorts (gnomAD); In silico analysis suggests that this missense variant does not alter protein structure/function; Has not been previously published as pathogenic or benign to our knowledge